The following is an entry in ClinVar:

NM_006269.2(RP1):c.2720T>C (p.Ile907Thr)

Gene: RP1 (RP1 axonemal microtubule associated; plus strand). Cytogenetic location: 8q12.1.
Variant type: single nucleotide variant.
Coding change: c.2720T>C on transcript NM_006269.2 (MANE Select); coding-DNA position 2720, T replaced by C.
Protein change: p.Ile907Thr; replaces isoleucine 907 with threonine.
Molecular consequence: missense variant. On other transcripts: intron variant (1).
Genome position (GRCh38, 1-based): chr8:54,626,602, T>C. VCF-style: chr8-54626602-T-C. GRCh37 (hg19) VCF-style: chr8-55539162-T-C.
Other names: c.787+4314T>C (NM_001375654.1); short protein forms I907T.
Identifiers: ClinVar variation 1406475 (VCV001406475.8), dbSNP rs756250298, ClinGen allele CA4751575.

ClinVar aggregate classification (germline): Conflicting classifications of pathogenicity. Review status: criteria provided, conflicting classifications (1 of 4 stars). 3 submissions from 3 submitters: Uncertain significance (2); Likely benign (1). Last evaluated 2023-10-01.

Conditions:
Retinal dystrophy. Also called: Inherited retinal dystrophy. Identifiers: Orphanet 71862, MedGen C0854723, MeSH D058499, MONDO:0019118, HP:0000556.

Allele frequency attached by ClinVar (database versions not stated): gnomAD exomes 0.00001; TOPMed 0.00001; ExAC 0.00002.
gnomAD v4.1: 6 of 1,613,612 alleles (0.00037%); highest among the groups gnomAD compares: East Asian, 0.011%; no homozygotes.

Submissions (3):

Dept Of Ophthalmology, Nagoya University
Classification: Likely benign for Retinal dystrophy. Last evaluated: 2023-10-01. Review status: criteria provided, single submitter. Criteria: Submitter's publication. Collection method: research. Allele origin: germline. Affected: yes.

Labcorp Genetics (formerly Invitae), Labcorp
Classification: Uncertain significance. Last evaluated: 2023-05-26. Review status: criteria provided, single submitter. Criteria: Invitae Variant Classification Sherloc (09022015). Collection method: clinical testing. Allele origin: germline.
Comment: ClinVar contains an entry for this variant (Variation ID: 1406475). In summary, the available evidence is currently insufficient to determine the role of this variant in disease. Therefore, it has been classified as a Variant of Uncertain Significance. Algorithms developed to predict the effect of missense changes on protein structure and function output the following: SIFT: "Not Available"; PolyPhen-2: "Benign"; Align-GVGD: "Not Available". The threonine amino acid residue is found in multiple mammalian species, which suggests that this missense change does not adversely affect protein function. This variant has not been reported in the literature in individuals affected with RP1-related conditions. This variant is present in population databases (rs756250298, gnomAD 0.02%). This sequence change replaces isoleucine, which is neutral and non-polar, with threonine, which is neutral and polar, at codon 907 of the RP1 protein (p.Ile907Thr).

Blueprint Genetics
Classification: Uncertain significance. Last evaluated: 2017-08-22. Review status: criteria provided, single submitter. Criteria: ACMG Guidelines, 2015. Collection method: clinical testing. Allele origin: germline.